The following is an entry in ClinVar:

ClinVar aggregate classification (germline): Benign/Likely benign. Review status: criteria provided, multiple submitters, no conflicts (2 of 4 stars). 2 submissions from 2 submitters: Benign (1); Likely benign (1). Last evaluated 2026-08-17.

Conditions:
DICER1-related tumor predisposition. Also called: DICER1-related pleuropulmonary blastoma cancer predisposition syndrome; DICER1 syndrome. Identifiers: Orphanet 284343, MedGen C3839822, MONDO:0100216.

Submissions (2):

Myriad Genetics, Inc.
Classification: Benign for DICER1-related tumor predisposition. Last evaluated: 2026-08-17. Review status: criteria provided, single submitter. Criteria: Myriad Autosomal Dominant, Autosomal Recessive and X-Linked Classification Criteria (2023). Collection method: clinical testing. Allele origin: unknown.
Comment: This variant is considered benign. This variant is a silent/synonymous amino acid change and it is not expected to impact splicing.

Labcorp Genetics (formerly Invitae), Labcorp
Classification: Likely benign for DICER1-related tumor predisposition. Last evaluated: 2025-08-26. Review status: criteria provided, single submitter. Criteria: Invitae Variant Classification Sherloc (09022015). Collection method: clinical testing. Allele origin: germline.

NM_177438.3(DICER1):c.4971A>G (p.Lys1657=)

Gene: DICER1 (dicer 1, ribonuclease III; minus strand). Cytogenetic location: 14q32.13.
Variant type: single nucleotide variant.
Coding change: c.4971A>G on transcript NM_177438.3 (MANE Select); coding-DNA position 4971, A replaced by G.
Protein change: p.Lys1657=; no amino-acid change (lysine 1657 retained).
Molecular consequence: synonymous variant. On other transcripts: non-coding transcript variant (6).
Genome position (GRCh38, 1-based): chr14:95,095,949, T>C on the plus strand (A>G on the coding strand, the complement: DICER1 is on the minus strand). VCF-style: chr14-95095949-T-C. GRCh37 (hg19) VCF-style: chr14-95562286-T-C.
Other names: c.4971A>G, p.Lys1657= (NM_001195573.1, NM_001271282.3, NM_001291628.2 and 12 more transcripts); c.4689A>G, p.Lys1563= (NM_001395686.1); c.4566A>G, p.Lys1522= (NM_001395687.1, NM_001395688.1, NM_001395689.1 and 2 more transcripts); c.4404A>G, p.Lys1468= (NM_001395691.1); c.3288A>G, p.Lys1096= (NM_001395697.1).
Identifiers: ClinVar variation 4726088 (VCV004726088.2).